The following is an entry in ClinVar:

ClinVar aggregate classification (germline): Likely pathogenic (1 of 4 stars; one submission).

Conditions:
Charcot-Marie-Tooth disease type 4. Also called: Charcot-Marie-Tooth, Type 4; Charcot-Marie-Tooth disease, type IV. Identifiers: Orphanet 64749, MedGen C4082197, MONDO:0018995.

Submission:

Labcorp Genetics (formerly Invitae), Labcorp
Classification: Likely pathogenic for Charcot-Marie-Tooth disease type 4. Last evaluated: 2021-02-05. Review status: criteria provided, single submitter. Criteria: Invitae Variant Classification Sherloc (09022015). Collection method: clinical testing. Allele origin: germline.
Comment: In summary, the currently available evidence indicates that the variant is pathogenic, but additional data are needed to prove that conclusively. Therefore, this variant has been classified as Likely Pathogenic. Algorithms developed to predict the effect of sequence changes on RNA splicing suggest that this variant may disrupt the consensus splice site, but this prediction has not been confirmed by published transcriptional studies. This variant has not been reported in the literature in individuals with NDRG1-related conditions. This variant is not present in population databases (ExAC no frequency). This sequence change affects an acceptor splice site in intron 12 of the NDRG1 gene. It is expected to disrupt RNA splicing. Variants that disrupt the donor or acceptor splice site typically lead to a loss of protein function (PMID: 16199547), and loss-of-function variants in NDRG1 are known to be pathogenic (PMID: 12872253, 23996628).

Literature cited by the submitters: PubMed 16199547; PubMed 12872253; PubMed 23996628.

NM_006096.4(NDRG1):c.808-2A>G

Gene: NDRG1 (N-myc downstream regulated 1; minus strand). Cytogenetic location: 8q24.22.
Variant type: single nucleotide variant.
Coding change: c.808-2A>G on transcript NM_006096.4 (MANE Select); the canonical splice acceptor site of the intron before coding-DNA position 808, A replaced by G.
Molecular consequence: splice acceptor variant.
Genome position (GRCh38, 1-based): chr8:133,246,665, T>C on the plus strand (A>G on the coding strand, the complement: NDRG1 is on the minus strand). VCF-style: chr8-133246665-T-C. GRCh37 (hg19) VCF-style: chr8-134258908-T-C.
Other names: c.610-2A>G (NM_001258432.2, NM_001374847.1); c.565-2A>G (NM_001258433.2); c.859-2A>G (NM_001374844.1); c.808-2A>G (NM_001135242.2, NM_001374845.1, NM_001374846.1).
Identifiers: ClinVar variation 1512343 (VCV001512343.8), dbSNP rs112360093, ClinGen allele CA372255017.